The following is an entry in ClinVar:

ClinVar aggregate classification (germline): Uncertain significance (1 of 4 stars; one submission).

Conditions:
Fanconi anemia (FA). Also called: Fanconi's anemia. Identifiers: Orphanet 84, MedGen C0015625, MeSH D005199, MONDO:0019391.

Submission:

Labcorp Genetics (formerly Invitae), Labcorp
Classification: Uncertain significance for Fanconi anemia. Last evaluated: 2022-10-04. Review status: criteria provided, single submitter. Criteria: Invitae Variant Classification Sherloc (09022015). Collection method: clinical testing. Allele origin: germline.
Comment: This variant has not been reported in the literature in individuals affected with SLX4-related conditions. This variant is not present in population databases (gnomAD no frequency). This sequence change replaces methionine, which is neutral and non-polar, with threonine, which is neutral and polar, at codon 1458 of the SLX4 protein (p.Met1458Thr). In summary, the available evidence is currently insufficient to determine the role of this variant in disease. Therefore, it has been classified as a Variant of Uncertain Significance. Algorithms developed to predict the effect of missense changes on protein structure and function (SIFT, PolyPhen-2, Align-GVGD) all suggest that this variant is likely to be tolerated.

NM_032444.4(SLX4):c.4373T>C (p.Met1458Thr)

Gene: SLX4 (SLX4 structure-specific endonuclease subunit; minus strand). Cytogenetic location: 16p13.3.
Variant type: single nucleotide variant.
Coding change: c.4373T>C on transcript NM_032444.4 (MANE Select); coding-DNA position 4373, T replaced by C.
Protein change: p.Met1458Thr; replaces methionine 1458 with threonine.
Molecular consequence: missense variant.
Genome position (GRCh38, 1-based): chr16:3,589,265, A>G on the plus strand (T>C on the coding strand, the complement: SLX4 is on the minus strand). VCF-style: chr16-3589265-A-G. GRCh37 (hg19) VCF-style: chr16-3639266-A-G.
Other names: short protein forms M1458T.
Identifiers: ClinVar variation 1720965 (VCV001720965.5), dbSNP rs2151121425, ClinGen allele CA394517269.